The following is an entry in ClinVar:

ClinVar aggregate classification (germline): Conflicting classifications of pathogenicity. Review status: criteria provided, conflicting classifications (1 of 4 stars). 4 submissions from 4 submitters: Uncertain significance (1); Likely benign (2). 1 of the submissions does not count toward it. Last evaluated 2024-07-26.

Conditions:
Inborn genetic diseases. Identifiers: MedGen C0950123, MeSH D030342.
Usher syndrome type 2A. Also called: RETINAL DISEASE IN USHER SYNDROME TYPE IIA, MODIFIER OF; USHER SYNDROME, TYPE IIA. Identifiers: Orphanet 231178, Orphanet 886, MedGen C1848634, MONDO:0010169, OMIM 276901.

Allele frequency attached by ClinVar (database versions not stated): gnomAD exomes 0.00001 and 0.00003; ExAC 0.00005; gnomAD 0.00009; TOPMed 0.00011; ESP Exome Variant Server 0.00015; 1000 Genomes Project 30x 0.00016; 1000 Genomes Project 0.00020.
gnomAD v4.1: 31 of 1,612,878 alleles (0.0019%); highest among the groups gnomAD compares: African/African-American, 0.029%; no homozygotes.

Submissions (4):

Ambry Genetics
Classification: Likely benign for Inborn genetic diseases. Last evaluated: 2024-07-26. Review status: criteria provided, single submitter. Criteria: Ambry Variant Classification Scheme 2023. Collection method: clinical testing. Allele origin: germline.

Blueprint Genetics
Classification: Likely benign. Last evaluated: 2022-11-30. Review status: criteria provided, single submitter. Criteria: ACMG Guidelines, 2015. Collection method: clinical testing. Allele origin: germline.

Labcorp Genetics (formerly Invitae), Labcorp
Classification: Uncertain significance. Last evaluated: 2022-11-01. Review status: criteria provided, single submitter. Criteria: Invitae Variant Classification Sherloc (09022015). Collection method: clinical testing. Allele origin: germline.
Comment: This sequence change replaces tryptophan, which is neutral and slightly polar, with arginine, which is basic and polar, at codon 3147 of the USH2A protein (p.Trp3147Arg). This variant is present in population databases (rs139649540, gnomAD 0.04%). This variant has not been reported in the literature in individuals affected with USH2A-related conditions. ClinVar contains an entry for this variant (Variation ID: 1063431). Advanced modeling of protein sequence and biophysical properties (such as structural, functional, and spatial information, amino acid conservation, physicochemical variation, residue mobility, and thermodynamic stability) performed at Invitae indicates that this missense variant is not expected to disrupt USH2A protein function. In summary, the available evidence is currently insufficient to determine the role of this variant in disease. Therefore, it has been classified as a Variant of Uncertain Significance.

Natera, Inc.
Classification: Uncertain significance for Usher syndrome type 2A. Last evaluated: 2020-06-08. Review status: no assertion criteria provided. Collection method: clinical testing. Allele origin: germline. Not counted in ClinVar's aggregate classification.

NM_206933.4(USH2A):c.9439T>C (p.Trp3147Arg)

Gene: USH2A (usherin; minus strand). Cytogenetic location: 1q41.
Variant type: single nucleotide variant.
Coding change: c.9439T>C on transcript NM_206933.4 (MANE Select); coding-DNA position 9439, T replaced by C.
Protein change: p.Trp3147Arg; replaces tryptophan 3147 with arginine.
Molecular consequence: missense variant.
Genome position (GRCh38, 1-based): chr1:215,817,128, A>G on the plus strand (T>C on the coding strand, the complement: USH2A is on the minus strand). VCF-style: chr1-215817128-A-G. GRCh37 (hg19) VCF-style: chr1-215990470-A-G.
Other names: c.9439T>C (NM_206933.2); short protein forms W3147R.
Identifiers: ClinVar variation 1063431 (VCV001063431.5), dbSNP rs139649540, ClinGen allele CA1394312.